The following is an entry in ClinVar:

NM_000540.3(RYR1):c.14446G>C (p.Asp4816His)

Gene: RYR1 (ryanodine receptor 1; plus strand). Cytogenetic location: 19q13.2.
Variant type: single nucleotide variant.
Coding change: c.14446G>C on transcript NM_000540.3 (MANE Select); coding-DNA position 14446, G replaced by C.
Protein change: p.Asp4816His; replaces aspartic acid 4816 with histidine.
Molecular consequence: missense variant.
Genome position (GRCh38, 1-based): chr19:38,580,063, G>C. VCF-style: chr19-38580063-G-C. GRCh37 (hg19) VCF-style: chr19-39070703-G-C.
Other names: c.14431G>C, p.Asp4811His (NM_001042723.2); short protein forms D4816H, D4811H.
Identifiers: ClinVar variation 1481233 (VCV001481233.8), dbSNP rs2145895196, ClinGen allele CA405687167.
Genomic context (GRCh38, chr19:38,580,063, plus strand): 5'-TATATGGTGATGTCCCTCTTGGGACACTACAACAACTTCTTCTTTGCTGCCCATCTCCTG[G>C]ACATCGCCATGGGGGTCAAGACGCTGCGCACCATCCTGTCCTCTGTCACCCACAATGGGA-3'
Protein context (NP_000531.2, residues 4806-4826): NNFFFAAHLL[Asp4816His]IAMGVKTLRT

ClinVar aggregate classification (germline): Uncertain significance (1 of 4 stars; one submission).

Conditions:
RYR1-related disorder. Also called: RYR1-related condition; RYR1-related disorders. Identifiers: MedGen CN239331.

Submission:

Labcorp Genetics (formerly Invitae), Labcorp
Classification: Uncertain significance for RYR1-related disorder. Last evaluated: 2022-08-15. Review status: criteria provided, single submitter. Criteria: Invitae Variant Classification Sherloc (09022015). Collection method: clinical testing. Allele origin: germline.
Comment: In summary, the available evidence is currently insufficient to determine the role of this variant in disease. Therefore, it has been classified as a Variant of Uncertain Significance. Advanced modeling of protein sequence and biophysical properties (such as structural, functional, and spatial information, amino acid conservation, physicochemical variation, residue mobility, and thermodynamic stability) performed at Invitae indicates that this missense variant is expected to disrupt RYR1 protein function. ClinVar contains an entry for this variant (Variation ID: 1481233). This missense change has been observed in individual(s) with clinical features of autosomal dominant RYR1-related conditions (PMID: 23553484). This variant is not present in population databases (gnomAD no frequency). This sequence change replaces aspartic acid, which is acidic and polar, with histidine, which is basic and polar, at codon 4816 of the RYR1 protein (p.Asp4816His).

Literature cited by the submitters: PubMed 23553484.